The following is an entry in ClinVar:

NM_000264.5(PTCH1):c.2181T>C (p.Cys727=)

Genes: PTCH1 (patched 1; minus strand), LOC100507346 (uncharacterized LOC100507346; plus strand). Cytogenetic location: 9q22.32.
Variant type: single nucleotide variant.
Coding change: c.2181T>C on transcript NM_000264.5 (MANE Select); coding-DNA position 2181, T replaced by C.
Protein change: p.Cys727=; no amino-acid change (cysteine 727 retained).
Molecular consequence: synonymous variant. On other transcripts: non-coding transcript variant (2).
Genome position (GRCh38, 1-based): chr9:95,468,820, A>G on the plus strand (T>C on the coding strand, the complement: PTCH1 is on the minus strand). VCF-style: chr9-95468820-A-G. GRCh37 (hg19) VCF-style: chr9-98231102-A-G.
Other names: c.2181T>C (NM_000264.4); c.1983T>C, p.Cys661= (NM_001083602.3); c.2178T>C, p.Cys726= (NM_001083603.3); c.1728T>C, p.Cys576= (NM_001083604.3, NM_001083605.3, NM_001083606.3 and 1 more transcripts); c.2025T>C, p.Cys675= (NM_001354918.2).
Identifiers: ClinVar variation 1787283 (VCV001787283.16), dbSNP rs1256741266, ClinGen allele CA466352296.

ClinVar aggregate classification (germline): Likely benign. Review status: criteria provided, multiple submitters, no conflicts (2 of 4 stars). 4 submissions from 4 submitters: Likely benign (4). Last evaluated 2025-08-01.

Conditions:
Hereditary cancer-predisposing syndrome. Also called: Hereditary neoplastic syndrome; Neoplastic Syndromes, Hereditary; Tumor predisposition; Hereditary Cancer Syndrome. Identifiers: Orphanet 140162, MedGen C0027672, MeSH D009386, MONDO:0015356.
Gorlin syndrome. Also called: Nevoid Basal Cell Carcinoma Syndrome; Basal cell nevus syndrome. Identifiers: Orphanet 377, MedGen C0004779, MONDO:0007187.

Allele frequency attached by ClinVar (database versions not stated): gnomAD exomes below 0.00001.
gnomAD v4.1: 4 of 1,614,172 alleles (0.00025%); highest among the groups gnomAD compares: Middle Eastern, 0.016%; no homozygotes.

Submissions (4):

CeGaT Center for Human Genetics Tuebingen
Classification: Likely benign. Last evaluated: 2025-08-01. Review status: criteria provided, single submitter. Criteria: CeGaT Center For Human Genetics Tuebingen Variant Classification Criteria Version 2. Collection method: clinical testing. Allele origin: germline. Affected: yes. Observed: 1 variant allele.
Comment: PTCH1: BP4, BP7

Quest Diagnostics Nichols Institute San Juan Capistrano
Classification: Likely benign. Last evaluated: 2025-07-03. Review status: criteria provided, single submitter. Criteria: Quest Diagnostics criteria. Collection method: clinical testing. Allele origin: unknown.

Labcorp Genetics (formerly Invitae), Labcorp
Classification: Likely benign for Gorlin syndrome. Last evaluated: 2025-06-22. Review status: criteria provided, single submitter. Criteria: Invitae Variant Classification Sherloc (09022015). Collection method: clinical testing. Allele origin: germline.

Ambry Genetics
Classification: Likely benign for Hereditary cancer-predisposing syndrome. Last evaluated: 2020-08-07. Review status: criteria provided, single submitter. Criteria: Ambry Variant Classification Scheme 2023. Collection method: clinical testing. Allele origin: germline.